The following is an entry in ClinVar:

NM_004998.4(MYO1E):c.2099G>A (p.Arg700Gln)

Gene: MYO1E (myosin IE; minus strand). Cytogenetic location: 15q22.2.
Variant type: single nucleotide variant.
Coding change: c.2099G>A on transcript NM_004998.4 (MANE Select); coding-DNA position 2099, G replaced by A.
Protein change: p.Arg700Gln; replaces arginine 700 with glutamine.
Molecular consequence: missense variant.
Genome position (GRCh38, 1-based): chr15:59,174,191, C>T on the plus strand (G>A on the coding strand, the complement: MYO1E is on the minus strand). VCF-style: chr15-59174191-C-T. GRCh37 (hg19) VCF-style: chr15-59466390-C-T.
Other names: short protein forms R700Q.
Identifiers: ClinVar variation 1490282 (VCV001490282.7), dbSNP rs757483863, ClinGen allele CA7589361.

ClinVar aggregate classification (germline): Uncertain significance. Review status: criteria provided, multiple submitters, no conflicts (2 of 4 stars). 2 submissions from 2 submitters: Uncertain significance (2). Last evaluated 2024-10-25.

Conditions:
Focal segmental glomerulosclerosis 6 (FSGS6). Identifiers: Orphanet 656, MedGen C3279905, MONDO:0013589, OMIM 614131.

Allele frequency attached by ClinVar (database versions not stated): ExAC 0.00002; gnomAD exomes 0.00002; TOPMed 0.00005; gnomAD 0.00006.
gnomAD v4.1: 30 of 1,613,984 alleles (0.0019%); highest among the groups gnomAD compares: African/African-American, 0.017%; no homozygotes.

Submissions (2):

Labcorp Genetics (formerly Invitae), Labcorp
Classification: Uncertain significance. Last evaluated: 2024-10-25. Review status: criteria provided, single submitter. Criteria: Invitae Variant Classification Sherloc (09022015). Collection method: clinical testing. Allele origin: germline.
Comment: This sequence change replaces arginine, which is basic and polar, with glutamine, which is neutral and polar, at codon 700 of the MYO1E protein (p.Arg700Gln). This variant is present in population databases (rs757483863, gnomAD 0.01%). This variant has not been reported in the literature in individuals affected with MYO1E-related conditions. ClinVar contains an entry for this variant (Variation ID: 1490282). Invitae Evidence Modeling of protein sequence and biophysical properties (such as structural, functional, and spatial information, amino acid conservation, physicochemical variation, residue mobility, and thermodynamic stability) indicates that this missense variant is expected to disrupt MYO1E protein function with a positive predictive value of 80%. In summary, the available evidence is currently insufficient to determine the role of this variant in disease. Therefore, it has been classified as a Variant of Uncertain Significance.

Fulgent Genetics
Classification: Uncertain significance for Focal segmental glomerulosclerosis 6. Last evaluated: 2022-02-18. Review status: criteria provided, single submitter. Criteria: ACMG Guidelines, 2015. Collection method: clinical testing. Allele origin: unknown.